The following is an entry in ClinVar:

ClinVar aggregate classification (germline): Conflicting classifications of pathogenicity. Review status: criteria provided, conflicting classifications (1 of 4 stars). 3 submissions from 3 submitters: Uncertain significance (2); Likely benign (1). Last evaluated 2024-09-29.

Conditions:
Inborn genetic diseases. Identifiers: MedGen C0950123, MeSH D030342.

Allele frequency attached by ClinVar (database versions not stated): ExAC 0.00001; gnomAD exomes 0.00001; TOPMed 0.00002; gnomAD 0.00003; 1000 Genomes Project 30x 0.00021; 1000 Genomes Project 0.00026.
gnomAD v4.1: 11 of 1,206,926 alleles (0.00091%); highest among the groups gnomAD compares: East Asian, 0.024%; no homozygotes.

Submissions (3):

Labcorp Genetics (formerly Invitae), Labcorp
Classification: Uncertain significance. Last evaluated: 2024-09-29. Review status: criteria provided, single submitter. Criteria: Invitae Variant Classification Sherloc (09022015). Collection method: clinical testing. Allele origin: germline.
Comment: This sequence change replaces histidine, which is basic and polar, with arginine, which is basic and polar, at codon 122 of the CHM protein (p.His122Arg). This variant is present in population databases (rs765999807, gnomAD 0.02%), including at least one homozygous and/or hemizygous individual. This variant has not been reported in the literature in individuals affected with CHM-related conditions. ClinVar contains an entry for this variant (Variation ID: 2281102). An algorithm developed to predict the effect of missense changes on protein structure and function (PolyPhen-2) suggests that this variant¬†is likely to be tolerated. In summary, the available evidence is currently insufficient to determine the role of this variant in disease. Therefore, it has been classified as a Variant of Uncertain Significance.

Ambry Genetics
Classification: Uncertain significance for Inborn genetic diseases. Last evaluated: 2022-03-31. Review status: criteria provided, single submitter. Criteria: Ambry Variant Classification Scheme 2023. Collection method: clinical testing. Allele origin: germline.

Blueprint Genetics
Classification: Likely benign. Last evaluated: 2019-10-14. Review status: criteria provided, single submitter. Criteria: ACMG Guidelines, 2015. Collection method: clinical testing. Allele origin: germline.

NM_000390.4(CHM):c.365A>G (p.His122Arg)

Genes: CHM (CHM Rab escort protein; minus strand), LOC129391306 (MPRA-validated peak7401 silencer; plus strand). Cytogenetic location: Xq21.2.
Variant type: single nucleotide variant.
Coding change: c.365A>G on transcript NM_000390.4 (MANE Select); coding-DNA position 365, A replaced by G.
Protein change: p.His122Arg; replaces histidine 122 with arginine.
Molecular consequence: missense variant. On other transcripts: 5 prime UTR variant (4).
Genome position (GRCh38, 1-based): chrX:85,964,002, T>C on the plus strand (A>G on the coding strand, the complement: CHM is on the minus strand). VCF-style: chrX-85964002-T-C. GRCh37 (hg19) VCF-style: chrX-85219007-T-C.
Other names: c.-80A>G (NM_001320959.1, NM_001362517.1, NM_001362518.2 and 1 more transcripts); short protein forms H122R.
Identifiers: ClinVar variation 2281102 (VCV002281102.4), dbSNP rs765999807, ClinGen allele CA10465586.